The following is an entry in ClinVar:

ClinVar aggregate classification (germline): Uncertain significance. Review status: criteria provided, multiple submitters, no conflicts (2 of 4 stars). 3 submissions from 3 submitters: Uncertain significance (3). Last evaluated 2026-01-12.

Conditions:
Congenital muscular dystrophy due to integrin alpha-7 deficiency. Also called: MYOPATHY, CONGENITAL, DUE TO INTEGRIN ALPHA-7 DEFICIENCY; Muscular dystrophy, congenital, due to ITGA7 deficiency; Congenital muscular dystrophy with integrin alpha-7 deficiency. Identifiers: Orphanet 34520, MedGen C2750786, MONDO:0013177, OMIM 613204.

Allele frequency attached by ClinVar (database versions not stated): TOPMed 0.00001; ExAC 0.00002; gnomAD 0.00002; gnomAD exomes 0.00002.
gnomAD v4.1: 41 of 1,613,850 alleles (0.0025%); highest among the groups gnomAD compares: Middle Eastern, 0.016%; no homozygotes.

Submissions (3):

Labcorp Genetics (formerly Invitae), Labcorp
Classification: Uncertain significance for Congenital muscular dystrophy due to integrin alpha-7 deficiency. Last evaluated: 2026-01-12. Review status: criteria provided, single submitter. Criteria: Invitae Variant Classification Sherloc (09022015). Collection method: clinical testing. Allele origin: germline.
Comment: This sequence change replaces serine, which is neutral and polar, with glycine, which is neutral and non-polar, at codon 908 of the ITGA7 protein (p.Ser908Gly). This variant is present in population databases (rs771994045, gnomAD 0.003%). This variant has not been reported in the literature in individuals affected with ITGA7-related conditions. ClinVar contains an entry for this variant (Variation ID: 1053784). An algorithm developed to predict the effect of missense changes on protein structure and function (PolyPhen-2) suggests that this variant is likely to be tolerated. In summary, the available evidence is currently insufficient to determine the role of this variant in disease. Therefore, it has been classified as a Variant of Uncertain Significance.

Ambry Genetics
Classification: Uncertain significance. Last evaluated: 2025-01-16. Review status: criteria provided, single submitter. Criteria: Ambry Variant Classification Scheme 2023. Collection method: clinical testing. Allele origin: germline.

Revvity Omics, Revvity
Classification: Uncertain significance for Congenital muscular dystrophy due to integrin alpha-7 deficiency. Last evaluated: 2023-07-25. Review status: criteria provided, single submitter. Criteria: ACMG Guidelines, 2015. Collection method: clinical testing. Allele origin: germline.

NM_002206.3(ITGA7):c.2722A>G (p.Ser908Gly)

Gene: ITGA7 (integrin subunit alpha 7; minus strand). Cytogenetic location: 12q13.2.
Variant type: single nucleotide variant.
Coding change: c.2722A>G on transcript NM_002206.3 (MANE Select); coding-DNA position 2722, A replaced by G.
Protein change: p.Ser908Gly; replaces serine 908 with glycine.
Molecular consequence: missense variant.
Genome position (GRCh38, 1-based): chr12:55,692,966, T>C on the plus strand (A>G on the coding strand, the complement: ITGA7 is on the minus strand). VCF-style: chr12-55692966-T-C. GRCh37 (hg19) VCF-style: chr12-56086750-T-C.
Other names: c.2722A>G (NM_002206.2); c.2734A>G, p.Ser912Gly (NM_001144996.2); c.2443A>G, p.Ser815Gly (NM_001144997.2); c.2395A>G, p.Ser799Gly (NM_001367993.1); c.1378A>G, p.Ser460Gly (NM_001367994.1); c.2704A>G, p.Ser902Gly (NM_001374465.1); c.2854A>G, p.Ser952Gly (NM_001410977.1); c.2716A>G, p.Ser906Gly (NM_001414029.1); and 6 more; short protein forms S460G, S799G, S815G, S902G, S908G, S912G, S952G, S883G.
Identifiers: ClinVar variation 1053784 (VCV001053784.10), dbSNP rs771994045, ClinGen allele CA6615479.